The following is an entry in ClinVar:

ClinVar aggregate classification (germline): Likely benign (1 of 4 stars; one submission).

Allele frequency attached by ClinVar (database versions not stated): gnomAD 0.00002; gnomAD exomes 0.00002; TOPMed 0.00002.

Submission:

GeneDx
Classification: Likely benign. Last evaluated: 2017-06-21. Review status: criteria provided, single submitter. Criteria: GeneDx Variant Classification (06012015). Collection method: clinical testing. Allele origin: germline. Affected: yes.
Comment: This variant is considered likely benign or benign based on one or more of the following criteria: it is a conservative change, it occurs at a poorly conserved position in the protein, it is predicted to be benign by multiple in silico algorithms, and/or has population frequency not consistent with disease.

NM_021167.5(GATAD1):c.-40C>T

Genes: GATAD1 (GATA zinc finger domain containing 1; plus strand), LOC129998793 (ATAC-STARR-seq lymphoblastoid silent region 18371; plus strand). Cytogenetic location: 7q21.2.
Variant type: single nucleotide variant.
Coding change: c.-40C>T on transcript NM_021167.5 (MANE Select); 40 bases upstream of the start codon, C replaced by T.
Molecular consequence: 5 prime UTR variant. On other transcripts: non-coding transcript variant (1).
Genome position (GRCh38, 1-based): chr7:92,447,690, C>T. VCF-style: chr7-92447690-C-T. GRCh37 (hg19) VCF-style: chr7-92077004-C-T.
Identifiers: ClinVar variation 510224 (VCV000510224.1), dbSNP rs1171520427, ClinGen allele CA576706483.